The following is an entry in ClinVar:

NM_001142864.4(PIEZO1):c.2392G>A (p.Val798Ile)

Genes: HSALR1 (HSP90AB1 associated lncRNA 1; plus strand), PIEZO1 (piezo type mechanosensitive ion channel component 1 (Er blood group); minus strand). Cytogenetic location: 16q24.3.
Variant type: single nucleotide variant.
Coding change: c.2392G>A on transcript NM_001142864.4 (MANE Select); coding-DNA position 2392, G replaced by A.
Protein change: p.Val798Ile; replaces valine 798 with isoleucine.
Molecular consequence: missense variant.
Genome position (GRCh38, 1-based): chr16:88,733,683, C>T on the plus strand (G>A on the coding strand, the complement: PIEZO1 is on the minus strand). VCF-style: chr16-88733683-C-T. GRCh37 (hg19) VCF-style: chr16-88800091-C-T.
Other names: c.2392G>A (NM_001142864.3, NM_001142864.2); c.934G>A, p.Val312Ile (NM_014745.1); short protein forms V312I, V798I.
Identifiers: ClinVar variation 2434722 (VCV002434722.9), dbSNP rs931204966, ClinGen allele CA286422824.

ClinVar aggregate classification (germline): Conflicting classifications of pathogenicity. Review status: criteria provided, conflicting classifications (1 of 4 stars). 4 submissions from 4 submitters: Uncertain significance (3); Likely benign (1). Last evaluated 2026-01-01.

Conditions:
PIEZO1-related disorder. Also called: PIEZO1-related condition; PIEZO1-Related Disorders.
Inborn genetic diseases. Identifiers: MedGen C0950123, MeSH D030342.

Allele frequency attached by ClinVar (database versions not stated): gnomAD exomes 0.00006; gnomAD 0.00011; TOPMed 0.00011.
gnomAD v4.1: 106 of 1,549,312 alleles (0.0068%); highest among the groups gnomAD compares: African/African-American, 0.016%; no homozygotes.

Submissions (4):

CeGaT Center for Human Genetics Tuebingen
Classification: Likely benign. Last evaluated: 2026-01-01. Review status: criteria provided, single submitter. Criteria: CeGaT Center For Human Genetics Tuebingen Variant Classification Criteria Version 2. Collection method: clinical testing. Allele origin: germline. Affected: yes. Observed: 1 variant allele.
Comment: PIEZO1: BP4

Ambry Genetics
Classification: Uncertain significance for Inborn genetic diseases. Last evaluated: 2024-01-08. Review status: criteria provided, single submitter. Criteria: Ambry Variant Classification Scheme 2023. Collection method: clinical testing. Allele origin: germline.

PreventionGenetics, part of Exact Sciences
Classification: Uncertain significance for PIEZO1-related condition. Last evaluated: 2023-05-18. Review status: criteria provided, single submitter. Criteria: ACMG Guidelines, 2015. Collection method: clinical testing. Allele origin: germline.
Comment: The PIEZO1 c.2392G>A variant is predicted to result in the amino acid substitution p.Val798Ile. To our knowledge, this variant has not been reported in the literature. This variant is reported in 0.011% of alleles in individuals of European (Non-Finnish) descent in gnomAD. At this time, the clinical significance of this variant is uncertain due to the absence of conclusive functional and genetic evidence.

Revvity Omics, Revvity
Classification: Uncertain significance. Last evaluated: 2022-11-30. Review status: criteria provided, single submitter. Criteria: ACMG Guidelines, 2015. Collection method: clinical testing. Allele origin: germline.